The following is an entry in ClinVar:

ClinVar aggregate classification (germline): Uncertain significance. Review status: criteria provided, multiple submitters, no conflicts (2 of 4 stars). 3 submissions from 3 submitters: Uncertain significance (3). Last evaluated 2025-08-26.

Conditions:
Baller-Gerold syndrome (BGS). Also called: CRANIOSYNOSTOSIS WITH RADIAL DEFECTS. Identifiers: Orphanet 1225, MedGen C0265308, MONDO:0009039, OMIM 218600.
Inborn genetic diseases. Identifiers: MedGen C0950123, MeSH D030342.

Allele frequency attached by ClinVar (database versions not stated): gnomAD 0.00002; TOPMed 0.00001.
gnomAD v4.1: 5 of 1,312,156 alleles (0.00038%); highest among the groups gnomAD compares: Non-Finnish European, 0.00039%; no homozygotes.

Submissions (3):

Ambry Genetics
Classification: Uncertain significance for Inborn genetic diseases. Last evaluated: 2025-08-26. Review status: criteria provided, single submitter. Criteria: Ambry Variant Classification Scheme 2023. Collection method: clinical testing. Allele origin: germline.

Labcorp Genetics (formerly Invitae), Labcorp
Classification: Uncertain significance for Baller-Gerold syndrome. Last evaluated: 2024-03-16. Review status: criteria provided, single submitter. Criteria: Invitae Variant Classification Sherloc (09022015). Collection method: clinical testing. Allele origin: germline.
Comment: This sequence change replaces arginine, which is basic and polar, with glutamine, which is neutral and polar, at codon 10 of the RECQL4 protein (p.Arg10Gln). This variant is not present in population databases (gnomAD no frequency). This variant has not been reported in the literature in individuals affected with RECQL4-related conditions. ClinVar contains an entry for this variant (Variation ID: 528910). Algorithms developed to predict the effect of missense changes on protein structure and function output the following: SIFT: "Not Available"; PolyPhen-2: "Not Available"; Align-GVGD: "Not Available". The glutamine amino acid residue is found in multiple mammalian species, which suggests that this missense change does not adversely affect protein function. In summary, the available evidence is currently insufficient to determine the role of this variant in disease. Therefore, it has been classified as a Variant of Uncertain Significance.

Blueprint Genetics
Classification: Uncertain significance. Last evaluated: 2019-10-25. Review status: criteria provided, single submitter. Criteria: ACMG Guidelines, 2015. Collection method: clinical testing. Allele origin: germline.

NM_004260.4(RECQL4):c.29G>A (p.Arg10Gln)

Genes: RECQL4 (RecQ like helicase 4; minus strand), LOC130001411 (ATAC-STARR-seq lymphoblastoid silent region 19699; plus strand). Cytogenetic location: 8q24.3.
Variant type: single nucleotide variant.
Coding change: c.29G>A on transcript NM_004260.4 (MANE Select); coding-DNA position 29, G replaced by A.
Protein change: p.Arg10Gln; replaces arginine 10 with glutamine.
Molecular consequence: missense variant.
Genome position (GRCh38, 1-based): chr8:144,517,756, C>T on the plus strand (G>A on the coding strand, the complement: RECQL4 is on the minus strand). VCF-style: chr8-144517756-C-T. GRCh37 (hg19) VCF-style: chr8-145743140-C-T.
Other names: short protein forms R10Q.
Identifiers: ClinVar variation 528910 (VCV000528910.6), dbSNP rs1001894022, ClinGen allele CA372693928.